The following is an entry in ClinVar:

NM_145698.5(ACBD5):c.656A>C (p.His219Pro)

Gene: ACBD5 (acyl-CoA binding domain containing 5; minus strand). Cytogenetic location: 10p12.1.
Variant type: single nucleotide variant.
Coding change: c.656A>C on transcript NM_145698.5 (MANE Select); coding-DNA position 656, A replaced by C.
Protein change: p.His219Pro; replaces histidine 219 with proline.
Molecular consequence: missense variant. On other transcripts: intron variant (6).
Genome position (GRCh38, 1-based): chr10:27,218,153, T>G on the plus strand (A>C on the coding strand, the complement: ACBD5 is on the minus strand). VCF-style: chr10-27218153-T-G. GRCh37 (hg19) VCF-style: chr10-27507082-T-G.
Other names: c.551A>C, p.His184Pro (NM_001042473.4, NM_001352577.2, NM_001352578.2 and 1 more transcripts); c.650A>C, p.His217Pro (NM_001271512.3); c.329A>C, p.His110Pro (NM_001301251.2, NM_001301252.2, NM_001301253.2 and 2 more transcripts); c.710A>C, p.His237Pro (NM_001352568.1); c.689A>C, p.His230Pro (NM_001352569.1); c.656A>C, p.His219Pro (NM_001352570.1); c.683A>C, p.His228Pro (NM_001352571.1); c.677A>C, p.His226Pro (NM_001352572.1); and 10 more; short protein forms H110P, H230P, H237P, H166P, H195P, H219P, H212P, H226P.
Identifiers: ClinVar variation 2124401 (VCV002124401.4), dbSNP rs772006789, ClinGen allele CA376375715.
Genomic context (GRCh38, chr10:27,218,153, plus strand): 5'-ATATCCTGAACAAAGCCATCTTTATCATAGCCATTAGTGACAATGACTTCCAAATTCTTA[T>G]GGTCTGCTGACTTCTTCATCATTTTCTTATCTTTTACGAGAAAATGGGAAAGATTCATAA-3'
Protein context (NP_663736.2, residues 209-229): DKKMMKKSAD[His219Pro]KNLEVIVTNG

ClinVar aggregate classification (germline): Uncertain significance (1 of 4 stars; one submission).

Submission:

Labcorp Genetics (formerly Invitae), Labcorp
Classification: Uncertain significance. Last evaluated: 2024-02-17. Review status: criteria provided, single submitter. Criteria: Invitae Variant Classification Sherloc (09022015). Collection method: clinical testing. Allele origin: germline.
Comment: This sequence change replaces histidine, which is basic and polar, with proline, which is neutral and non-polar, at codon 219 of the ACBD5 protein (p.His219Pro). This variant is not present in population databases (gnomAD no frequency). This variant has not been reported in the literature in individuals affected with ACBD5-related conditions. ClinVar contains an entry for this variant (Variation ID: 2124401). Advanced modeling of protein sequence and biophysical properties (such as structural, functional, and spatial information, amino acid conservation, physicochemical variation, residue mobility, and thermodynamic stability) performed at Invitae indicates that this missense variant is not expected to disrupt ACBD5 protein function with a negative predictive value of 80%. In summary, the available evidence is currently insufficient to determine the role of this variant in disease. Therefore, it has been classified as a Variant of Uncertain Significance.